The following is an entry in ClinVar:

NM_198576.4(AGRN):c.4313C>T (p.Ser1438Leu)

Gene: AGRN (agrin; plus strand). Cytogenetic location: 1p36.33.
Variant type: single nucleotide variant.
Coding change: c.4313C>T on transcript NM_198576.4 (MANE Select); coding-DNA position 4313, C replaced by T.
Protein change: p.Ser1438Leu; replaces serine 1438 with leucine.
Molecular consequence: missense variant.
Genome position (GRCh38, 1-based): chr1:1,049,250, C>T. VCF-style: chr1-1049250-C-T. GRCh37 (hg19) VCF-style: chr1-984630-C-T.
Other names: c.4313C>T (NM_198576.3); c.4313C>T, p.Ser1438Leu (NM_001305275.2); c.3998C>T, p.Ser1333Leu (NM_001364727.2); short protein forms S1438L, S1333L.
Identifiers: ClinVar variation 1367305 (VCV001367305.5), dbSNP rs1460707518, ClinGen allele CA337777095.
Genomic context (GRCh38, chr1:1,049,250, plus strand): 5'-GGGACGGGGCCGGGCGATGGTCCTGAGCACCTGCTCCTGCCCTCAGGTTTGACACAGGTT[C>T]GGGGCCGGCGGTGCTGACCAGTGCCGTGCCGGTAGAGCCGGGCCAGTGGCACCGCCTGGA-3'
Protein context (NP_940978.2, residues 1428-1448): GRVQLRFDTG[Ser1438Leu]GPAVLTSAVP

ClinVar aggregate classification (germline): Uncertain significance. Review status: criteria provided, multiple submitters, no conflicts (2 of 4 stars). 2 submissions from 2 submitters: Uncertain significance (2). Last evaluated 2026-02-04.

Conditions:
Congenital myasthenic syndrome 8. Also called: MYASTHENIC SYNDROME, CONGENITAL, DUE TO AGRIN DEFICIENCY; Myasthenic syndrome, congenital, 8, with pre- and postsynaptic defects. Identifiers: Orphanet 590, MedGen C3808739, MONDO:0014052, OMIM 615120.

Allele frequency attached by ClinVar (database versions not stated): TOPMed 0.00001; gnomAD 0.00002.
gnomAD v4.1: 12 of 1,585,236 alleles (0.00076%); highest among the groups gnomAD compares: African/African-American, 0.0013%; no homozygotes.

Submissions (2):

GeneDx
Classification: Uncertain significance. Last evaluated: 2026-02-04. Review status: criteria provided, single submitter. Criteria: GeneDx Variant Classification Process June 2021. Collection method: clinical testing. Allele origin: germline.
Comment: Not observed at significant frequency in large population cohorts (gnomAD); In silico analysis supports that this missense variant has a deleterious effect on protein structure/function; Has not been previously published as pathogenic or benign to our knowledge

Labcorp Genetics (formerly Invitae), Labcorp
Classification: Uncertain significance for Congenital myasthenic syndrome 8. Last evaluated: 2021-08-30. Review status: criteria provided, single submitter. Criteria: Invitae Variant Classification Sherloc (09022015). Collection method: clinical testing. Allele origin: germline.